The following is an entry in ClinVar:

NM_032581.4(HYCC1):c.781del (p.Asp261fs)

Gene: HYCC1 (hyccin PI4KA lipid kinase complex subunit 1; minus strand). Cytogenetic location: 7p15.3.
Variant type: Deletion.
Coding change: c.781del on transcript NM_032581.4 (MANE Select); coding-DNA position 781, one base deleted (G; older notation c.781delG).
Protein change: p.Asp261fs; shifts the reading frame from aspartic acid 261.
Molecular consequence: frameshift variant.
Genome position (GRCh38, 1-based): chr7:22,961,285, C deleted on the plus strand (G on the coding strand, the reverse complement: HYCC1 is on the minus strand); the first of 2 consecutive C bases (chr7:22,961,285-22,961,286); deleting either gives the same sequence. VCF-style (leftmost placement, unchanged base first): chr7-22961284-TC-T. GRCh37 (hg19) VCF-style: chr7-23000903-TC-T.
Other names: c.781del, p.Asp261fs (NM_001363466.2, NM_001363467.2); short protein forms D261fs.
Identifiers: ClinVar variation 3632712 (VCV003632712.2).

ClinVar aggregate classification (germline): Pathogenic (1 of 4 stars; one submission).

Conditions:
Hypomyelination and Congenital Cataract (HLD5). Also called: hypomyelinating leukodystrophy 5. Identifiers: Orphanet 85163, MedGen C1864663, MONDO:0012514, OMIM 610532.

Submission:

Labcorp Genetics (formerly Invitae), Labcorp
Classification: Pathogenic for Hypomyelination and Congenital Cataract. Last evaluated: 2024-09-05. Review status: criteria provided, single submitter. Criteria: Invitae Variant Classification Sherloc (09022015). Collection method: clinical testing. Allele origin: germline.
Comment: This sequence change creates a premature translational stop signal (p.Asp261Metfs*9) in the FAM126A gene. It is expected to result in an absent or disrupted protein product. Loss-of-function variants in FAM126A are known to be pathogenic (PMID: 21911699, 22749724, 23998934). This variant is not present in population databases (gnomAD no frequency). This variant has not been reported in the literature in individuals affected with FAM126A-related conditions. Algorithms developed to predict the effect of sequence changes on RNA splicing suggest that this variant may disrupt the consensus splice site. For these reasons, this variant has been classified as Pathogenic.

Literature cited by the submitters: PubMed 21911699; PubMed 22749724; PubMed 23998934.